The following is an entry in ClinVar:

NC_000001.10:g.(?_21896788)_(21896877_?)del

Gene: ALPL (alkaline phosphatase, biomineralization associated; plus strand). Cytogenetic location: 1p36.12.
Variant type: Deletion.
Identifiers: ClinVar variation 2423144 (VCV002423144.3).

ClinVar aggregate classification (germline): Pathogenic (1 of 4 stars; one submission).

Submission:

Labcorp Genetics (formerly Invitae), Labcorp
Classification: Pathogenic. Last evaluated: 2022-03-05. Review status: criteria provided, single submitter. Criteria: Invitae Variant Classification Sherloc (09022015). Collection method: clinical testing. Allele origin: germline.
Comment: This variant is a gross deletion of the genomic region encompassing exon(s) 8 of the ALPL gene. This deletion is out-of-frame, and is expected to create a premature termination codon and result in an absent or disrupted protein product. Loss-of-function variants in ALPL are known to be pathogenic (PMID: 3174660, 10679946, 19500388). This variant has not been reported in the literature in individuals affected with ALPL-related conditions. For these reasons, this variant has been classified as Pathogenic.

Literature cited by the submitters: PubMed 3174660; PubMed 10679946; PubMed 19500388.